The following is an entry in ClinVar:

ClinVar aggregate classification (germline): Uncertain significance (1 of 4 stars; one submission).

Allele frequency attached by ClinVar (database versions not stated): TOPMed below 0.00001; gnomAD 0.00001.

Submission:

Labcorp Genetics (formerly Invitae), Labcorp
Classification: Uncertain significance. Last evaluated: 2022-06-27. Review status: criteria provided, single submitter. Criteria: Invitae Variant Classification Sherloc (09022015). Collection method: clinical testing. Allele origin: germline.
Comment: In summary, the available evidence is currently insufficient to determine the role of this variant in disease. Therefore, it has been classified as a Variant of Uncertain Significance. Algorithms developed to predict the effect of sequence changes on RNA splicing suggest that this variant may create or strengthen a splice site. Algorithms developed to predict the effect of missense changes on protein structure and function (SIFT, PolyPhen-2, Align-GVGD) all suggest that this variant is likely to be tolerated. This variant has not been reported in the literature in individuals affected with DGKZ-related conditions. This variant is not present in population databases (gnomAD no frequency). This sequence change replaces alanine, which is neutral and non-polar, with serine, which is neutral and polar, at codon 1116 of the DGKZ protein (p.Ala1116Ser).

NM_001199267.2(DGKZ):c.2779G>T (p.Ala927Ser)

Gene: DGKZ (diacylglycerol kinase zeta; plus strand). Cytogenetic location: 11p11.2.
Variant type: single nucleotide variant.
Coding change: c.2779G>T on transcript NM_001199267.2 (MANE Select); coding-DNA position 2779, G replaced by T.
Protein change: p.Ala927Ser; replaces alanine 927 with serine.
Molecular consequence: missense variant.
Genome position (GRCh38, 1-based): chr11:46,379,939, G>T. VCF-style: chr11-46379939-G-T. GRCh37 (hg19) VCF-style: chr11-46401489-G-T.
Other names: c.3346G>T, p.Ala1116Ser (NM_001105540.2); c.2797G>T, p.Ala933Ser (NM_001199266.2); c.2713G>T, p.Ala905Ser (NM_001199268.2); c.2782G>T, p.Ala928Ser (NM_003646.4); c.2830G>T, p.Ala944Ser (NM_201532.3); c.2794G>T, p.Ala932Ser (NM_201533.3); short protein forms A932S, A928S, A933S, A1116S, A905S, A927S, A944S.
Identifiers: ClinVar variation 1493998 (VCV001493998.8), dbSNP rs1764081764, ClinGen allele CA380228941.